The following is an entry in ClinVar:

NM_000321.3(RB1):c.306T>A (p.Cys102Ter)

Gene: RB1 (RB transcriptional corepressor 1; plus strand). Cytogenetic location: 13q14.2.
Variant type: single nucleotide variant.
Coding change: c.306T>A on transcript NM_000321.3 (MANE Select); coding-DNA position 306, T replaced by A.
Protein change: p.Cys102Ter; replaces cysteine 102 with a stop codon.
Molecular consequence: nonsense.
Genome position (GRCh38, 1-based): chr13:48,342,640, T>A. VCF-style: chr13-48342640-T-A. GRCh37 (hg19) VCF-style: chr13-48916776-T-A.
Other names: c.306T>A, p.Cys102Ter (NM_001407165.1, NM_001407166.1); short protein forms C102*.
Identifiers: ClinVar variation 3313058 (VCV003313058.3).
Genomic context (GRCh38, chr13:48,342,640, plus strand): 5'-CTTTATTTTTTGTTCCCAGGGAGGTTATATTCAAAAGAAAAAGGAACTGTGGGGAATCTG[T>A]ATCTTTATTGCAGCAGTTGACCTAGATGAGATGTCGTTCACTTTTACTGAGCTACAGAAA-3'

ClinVar aggregate classification (germline): Pathogenic. Review status: criteria provided, multiple submitters, no conflicts (2 of 4 stars). 2 submissions from 2 submitters: Pathogenic (2). Last evaluated 2024-08-07.

Conditions:
Retinoblastoma (RB1). Also called: RETINOBLASTOMA, SOMATIC. Identifiers: Orphanet 790, MedGen C0035335, MeSH D012175, MONDO:0008380, OMIM 180200, HP:0009919. Disease mechanism: loss of function. Inheritance: Both sporadic and heritable forms are tested..
Hereditary cancer-predisposing syndrome. Also called: Neoplastic Syndromes, Hereditary; Tumor predisposition; Hereditary neoplastic syndrome; Hereditary Cancer Syndrome. Identifiers: Orphanet 140162, MedGen C0027672, MeSH D009386, MONDO:0015356.

Submissions (2):

Labcorp Genetics (formerly Invitae), Labcorp
Classification: Pathogenic for Retinoblastoma. Last evaluated: 2024-08-07. Review status: criteria provided, single submitter. Criteria: Invitae Variant Classification Sherloc (09022015). Collection method: clinical testing. Allele origin: germline.
Comment: This sequence change creates a premature translational stop signal (p.Cys102*) in the RB1 gene. It is expected to result in an absent or disrupted protein product. Loss-of-function variants in RB1 are known to be pathogenic (PMID: 17096365). This variant is not present in population databases (gnomAD no frequency). This premature translational stop signal has been observed in individual(s) with retinoblastoma (PMID: 34277001). For these reasons, this variant has been classified as Pathogenic.

Ambry Genetics
Classification: Pathogenic for Hereditary cancer-predisposing syndrome. Last evaluated: 2024-05-30. Review status: criteria provided, single submitter. Criteria: Ambry Variant Classification Scheme 2023. Collection method: clinical testing. Allele origin: germline.
Comment: The p.C102* pathogenic mutation (also known as c.306T>A), located in coding exon 3 of the RB1 gene, results from a T to A substitution at nucleotide position 306. This changes the amino acid from a cysteine to a stop codon within coding exon 3. This variant was reported in an individual who met clinical criteria for RB1-related hereditary retinoblastoma (Hoang CQ et al. Mol Clin Oncol, 2021 Sep;15:182). This variant has been observed in at least one individual with a personal and/or family history that is consistent with RB1-related hereditary retinoblastoma (Ambry internal data). This variant is considered to be rare based on population cohorts in the Genome Aggregation Database (gnomAD). In addition to the clinical data presented in the literature, this alteration is expected to result in loss of function by premature protein truncation or nonsense-mediated mRNA decay. As such, this alteration is interpreted as a disease-causing mutation.

Literature cited by the submitters: PubMed 17096365 (cited by Labcorp Genetics (formerly Invitae), Labcorp); PubMed 34277001 (cited by Labcorp Genetics (formerly Invitae), Labcorp and Ambry Genetics).